The following is an entry in ClinVar:

ClinVar aggregate classification (germline): Uncertain significance. Review status: criteria provided, multiple submitters, no conflicts (2 of 4 stars). 2 submissions from 2 submitters: Uncertain significance (2). Last evaluated 2026-07-07.

Conditions:
Retinoblastoma (RB1). Also called: RETINOBLASTOMA, SOMATIC. Identifiers: Orphanet 790, MedGen C0035335, MeSH D012175, MONDO:0008380, OMIM 180200, HP:0009919. Disease mechanism: loss of function. Inheritance: Both sporadic and heritable forms are tested..
Hereditary cancer-predisposing syndrome. Also called: Hereditary Cancer Syndrome; Hereditary neoplastic syndrome; Neoplastic Syndromes, Hereditary; Tumor predisposition. Identifiers: Orphanet 140162, MedGen C0027672, MeSH D009386, MONDO:0015356.

Allele frequency attached by ClinVar (database versions not stated): gnomAD exomes below 0.00001.
gnomAD v4.1: 2 of 1,612,872 alleles (0.00012%); highest among the groups gnomAD compares: Non-Finnish European, 0.00017%; no homozygotes.

Submissions (2):

Ambry Genetics
Classification: Uncertain significance for Hereditary cancer-predisposing syndrome. Last evaluated: 2026-07-07. Review status: criteria provided, single submitter. Criteria: Ambry Variant Classification Scheme 2023. Collection method: clinical testing. Allele origin: germline.
Comment: The p.N924H variant (also known as c.2770A>C), located in coding exon 27 of the RB1 gene, results from an A to C substitution at nucleotide position 2770. The asparagine at codon 924 is replaced by histidine, an amino acid with similar properties. This amino acid position is conserved. In addition, this alteration is predicted to be tolerated by in silico analysis. Based on the available evidence, the clinical significance of this variant remains unclear.

Labcorp Genetics (formerly Invitae), Labcorp
Classification: Uncertain significance for Retinoblastoma. Last evaluated: 2024-02-01. Review status: criteria provided, single submitter. Criteria: Invitae Variant Classification Sherloc (09022015). Collection method: clinical testing. Allele origin: germline.
Comment: This sequence change replaces asparagine, which is neutral and polar, with histidine, which is basic and polar, at codon 924 of the RB1 protein (p.Asn924His). This variant is not present in population databases (gnomAD no frequency). This variant has not been reported in the literature in individuals affected with RB1-related conditions. Algorithms developed to predict the effect of missense changes on protein structure and function output the following: SIFT: "Not Available"; PolyPhen-2: "Benign"; Align-GVGD: "Not Available". The histidine amino acid residue is found in multiple mammalian species, which suggests that this missense change does not adversely affect protein function. In summary, the available evidence is currently insufficient to determine the role of this variant in disease. Therefore, it has been classified as a Variant of Uncertain Significance.

NM_000321.3(RB1):c.2770A>C (p.Asn924His)

Gene: RB1 (RB transcriptional corepressor 1; plus strand). Cytogenetic location: 13q14.2.
Variant type: single nucleotide variant.
Coding change: c.2770A>C on transcript NM_000321.3 (MANE Select); coding-DNA position 2770, A replaced by C.
Protein change: p.Asn924His; replaces asparagine 924 with histidine.
Molecular consequence: missense variant. On other transcripts: 3 prime UTR variant (1).
Genome position (GRCh38, 1-based): chr13:48,480,054, A>C. VCF-style: chr13-48480054-A-C. GRCh37 (hg19) VCF-style: chr13-49054190-A-C.
Other names: c.*17A>C (NM_001407165.1); c.220A>C, p.Asn74His (NM_001407168.1); short protein forms N924H, N74H.
Identifiers: ClinVar variation 2911180 (VCV002911180.4), dbSNP rs2138364573, ClinGen allele CA388158567.